The following is an entry in ClinVar:

ClinVar aggregate classification (germline): Benign/Likely benign. Review status: criteria provided, multiple submitters, no conflicts (2 of 4 stars). 5 submissions from 3 submitters: Benign (3); Likely benign (2). Last evaluated 2021-05-25.

Conditions:
Noonan syndrome 4 (NS4). Also called: NOONAN SYNDROME WITH PIGMENTED VILLONODULAR SYNOVITIS; SOS1-Related Noonan Syndrome. Identifiers: Orphanet 648, MedGen C1853120, MONDO:0012547, OMIM 610733.
Fibromatosis, gingival, 1 (GINGF1). Identifiers: Orphanet 2024, MedGen C4551558, MONDO:0007609, OMIM 135300.

Allele frequency attached by ClinVar (database versions not stated): 1000 Genomes Project 0.00459; 1000 Genomes Project 30x 0.00547; gnomAD 0.00614 and 0.00673; TOPMed 0.00687.

Submissions (5):

GeneDx
Classification: Likely benign. Last evaluated: 2021-05-25. Review status: criteria provided, single submitter. Criteria: GeneDx Variant Classification Process June 2021. Collection method: clinical testing. Allele origin: germline. Affected: yes.

Illumina Laboratory Services, Illumina
Classification: Benign for Fibromatosis, gingival, 1. Last evaluated: 2018-01-13. Review status: criteria provided, single submitter. Criteria: ICSL Variant Classification Criteria 13 December 2019. Collection method: clinical testing. Allele origin: germline.
Comment: This variant was observed in the ICSL laboratory as part of a predisposition screen in an ostensibly healthy population. It had not been previously curated by ICSL or reported in the Human Gene Mutation Database (HGMD: prior to June 1st, 2018), and was therefore a candidate for classification through an automated scoring system. Utilizing variant allele frequency, disease prevalence and penetrance estimates, and inheritance mode, an automated score was calculated to assess if this variant is too frequent to cause the disease. Based on the score and internal cut-off values, a variant classified as benign is not then subjected to further curation. The score for this variant resulted in a classification of benign for this disease.

Illumina Laboratory Services, Illumina
Classification: Likely benign for Noonan syndrome 4. Last evaluated: 2018-01-13. Review status: criteria provided, single submitter. Criteria: ICSL Variant Classification Criteria 13 December 2019. Collection method: clinical testing. Allele origin: germline.
Comment: This variant was observed in the ICSL laboratory as part of a predisposition screen in an ostensibly healthy population. It had not been previously curated by ICSL or reported in the Human Gene Mutation Database (HGMD: prior to June 1st, 2018), and was therefore a candidate for classification through an automated scoring system. Utilizing variant allele frequency, disease prevalence and penetrance estimates, and inheritance mode, an automated score was calculated to assess if this variant is too frequent to cause the disease. Based on the score and internal cut-off values, a variant classified as likely benign is not then subjected to further curation. The score for this variant resulted in a classification of likely benign for this disease.

Genome-Nilou Lab
Classification: Benign for Noonan syndrome 4. Review status: criteria provided, single submitter. Criteria: ACMG Guidelines, 2015. Collection method: clinical testing. Allele origin: germline.

Genome-Nilou Lab
Classification: Benign for Fibromatosis, gingival, 1. Review status: criteria provided, single submitter. Criteria: ACMG Guidelines, 2015. Collection method: clinical testing. Allele origin: germline.

NM_005633.4(SOS1):c.*3458A>C

Gene: SOS1 (SOS Ras/Rac guanine nucleotide exchange factor 1; minus strand). Cytogenetic location: 2p22.1.
Variant type: single nucleotide variant.
Coding change: c.*3458A>C on transcript NM_005633.4 (MANE Select); 3458 bases downstream of the stop codon, A replaced by C.
Molecular consequence: 3 prime UTR variant.
Genome position (GRCh38, 1-based): chr2:38,982,366, T>G on the plus strand (A>C on the coding strand, the complement: SOS1 is on the minus strand). VCF-style: chr2-38982366-T-G. GRCh37 (hg19) VCF-style: chr2-39209507-T-G.
Other names: c.*3458A>C (NM_001382394.1, NM_001382395.1).
Identifiers: ClinVar variation 898584 (VCV000898584.6), dbSNP rs114232209, ClinGen allele CA45670689.